The following is an entry in ClinVar:

ClinVar aggregate classification (germline): Uncertain significance (1 of 4 stars; one submission).

Conditions:
Ataxia-telangiectasia syndrome (AT). Also called: Ataxia-telangiectasia, complementation group D; AT, COMPLEMENTATION GROUP C; ATAXIA-TELANGIECTASIA, COMPLEMENTATION GROUP A; ATAXIA-TELANGIECTASIA, FRESNO VARIANT; Ataxia-telangiectasia; Ataxia-telangiectasia, complementation group E. Identifiers: Orphanet 100, MedGen C0004135, MONDO:0008840, OMIM 208900.

Submission:

Labcorp Genetics (formerly Invitae), Labcorp
Classification: Uncertain significance for Ataxia-telangiectasia syndrome. Last evaluated: 2024-02-15. Review status: criteria provided, single submitter. Criteria: Invitae Variant Classification Sherloc (09022015). Collection method: clinical testing. Allele origin: germline.
Comment: This variant, c.7359_7361dup, results in the insertion of 1 amino acid(s) of the ATM protein (p.Ala2454dup), but otherwise preserves the integrity of the reading frame. This variant is not present in population databases (gnomAD no frequency). This variant has not been reported in the literature in individuals affected with ATM-related conditions. In summary, the available evidence is currently insufficient to determine the role of this variant in disease. Therefore, it has been classified as a Variant of Uncertain Significance.

NM_000051.4(ATM):c.7359_7361dup (p.Ala2454_Leu2455insAla)

Genes: ATM (ATM serine/threonine kinase; plus strand), C11orf65 (chromosome 11 open reading frame 65; minus strand). Cytogenetic location: 11q22.3.
Variant type: Duplication.
Coding change: c.7359_7361dup on transcript NM_000051.4 (MANE Select); coding-DNA positions 7359 to 7361, 3 bases duplicated (TGC; older notation c.7359_7361dupTGC).
Protein change: p.Ala2454_Leu2455insAla.
Molecular consequence: inframe insertion. On other transcripts: intron variant (2).
Genome position (GRCh38, 1-based): chr11:108,330,265-108,330,267, TGC duplicated. VCF-style (leftmost placement, unchanged base first): chr11-108330264-G-GTGC. GRCh37 (hg19) VCF-style: chr11-108200991-G-GTGC.
Other names: c.7359_7361dup, p.Ala2454_Leu2455insAla (NM_001351834.2); c.641-21196_641-21194dup (NM_001330368.2); c.*38+4953_*38+4955dup (NM_001351110.2).
Identifiers: ClinVar variation 3641051 (VCV003641051.2).